The following is an entry in ClinVar:

NM_000719.7(CACNA1C):c.2664G>A (p.Arg888=)

Gene: CACNA1C (calcium voltage-gated channel subunit alpha1 C; plus strand). Cytogenetic location: 12p13.33.
Variant type: single nucleotide variant.
Coding change: c.2664G>A on transcript NM_000719.7 (MANE Select); coding-DNA position 2664, G replaced by A.
Protein change: p.Arg888=; no amino-acid change (arginine 888 retained).
Molecular consequence: synonymous variant.
Genome position (GRCh38, 1-based): chr12:2,595,874, G>A. VCF-style: chr12-2595874-G-A. GRCh37 (hg19) VCF-style: chr12-2705040-G-A.
Other names: c.2664G>A (NM_000719.6); c.2664G>A, p.Arg888= (NM_001129833.2, NM_001129834.2, NM_001129835.2 and 18 more transcripts); c.2655G>A, p.Arg885= (NM_001129844.2).
Identifiers: ClinVar variation 1429308 (VCV001429308.16), dbSNP rs754046062, ClinGen allele CA6389036.

ClinVar aggregate classification (germline): Conflicting classifications of pathogenicity. Review status: criteria provided, conflicting classifications (1 of 4 stars). 3 submissions from 3 submitters: Uncertain significance (1); Likely benign (2). Last evaluated 2026-01-13.

Conditions:
Long QT syndrome (LQTS). Identifiers: MedGen C0023976, MeSH D008133, MONDO:0002442. Disease mechanism: loss of function. Inheritance: Various modes of inheritance.
Cardiovascular phenotype. Identifiers: MedGen CN230736.

Allele frequency attached by ClinVar (database versions not stated): gnomAD 0.00002.
gnomAD v4.1: 15 of 1,613,146 alleles (0.00093%); highest among the groups gnomAD compares: Admixed American, 0.015%; no homozygotes.

Submissions (3):

Labcorp Genetics (formerly Invitae), Labcorp
Classification: Uncertain significance for Long QT syndrome. Last evaluated: 2026-01-13. Review status: criteria provided, single submitter. Criteria: Invitae Variant Classification Sherloc (09022015). Collection method: clinical testing. Allele origin: germline.
Comment: This sequence change affects codon 888 of the CACNA1C mRNA. It is a 'silent' change, meaning that it does not change the encoded amino acid sequence of the CACNA1C protein. It affects a nucleotide within the consensus splice site. This variant is present in population databases (rs754046062, gnomAD 0.03%). This variant has not been reported in the literature in individuals affected with CACNA1C-related conditions. ClinVar contains an entry for this variant (Variation ID: 1429308). Algorithms developed to predict the effect of sequence changes on RNA splicing suggest that this variant is not likely to affect RNA splicing. In summary, the available evidence is currently insufficient to determine the role of this variant in disease. Therefore, it has been classified as a Variant of Uncertain Significance.

CeGaT Center for Human Genetics Tuebingen
Classification: Likely benign. Last evaluated: 2025-09-01. Review status: criteria provided, single submitter. Criteria: CeGaT Center For Human Genetics Tuebingen Variant Classification Criteria Version 2. Collection method: clinical testing. Allele origin: germline. Affected: yes. Observed: 1 variant allele.
Comment: CACNA1C: BP4, BP7

Ambry Genetics
Classification: Likely benign for Cardiovascular phenotype. Last evaluated: 2025-04-12. Review status: criteria provided, single submitter. Criteria: Ambry Variant Classification Scheme 2023. Collection method: clinical testing. Allele origin: germline.